The following is an entry in ClinVar:

ClinVar aggregate classification (germline): Pathogenic (1 of 4 stars; one submission).

Allele frequency attached by ClinVar (database versions not stated): gnomAD exomes below 0.00001; 1000 Genomes Project 0.00020.

Submission:

Labcorp Genetics (formerly Invitae), Labcorp
Classification: Pathogenic. Last evaluated: 2025-08-31. Review status: criteria provided, single submitter. Criteria: Invitae Variant Classification Sherloc (09022015). Collection method: clinical testing. Allele origin: germline.
Comment: This sequence change creates a premature translational stop signal (p.Arg143*) in the SLC16A1 gene. It is expected to result in an absent or disrupted protein product. Loss-of-function variants in SLC16A1 are known to be pathogenic (PMID: 25390740). This variant is not present in population databases (gnomAD no frequency). This variant has not been reported in the literature in individuals affected with SLC16A1-related conditions. ClinVar contains an entry for this variant (Variation ID: 2077604). For these reasons, this variant has been classified as Pathogenic.

Literature cited by the submitters: PubMed 25390740.

NM_003051.4(SLC16A1):c.427C>T (p.Arg143Ter)

Gene: SLC16A1 (solute carrier family 16 member 1; minus strand). Cytogenetic location: 1p13.2.
Variant type: single nucleotide variant.
Coding change: c.427C>T on transcript NM_003051.4 (MANE Select); coding-DNA position 427, C replaced by T.
Protein change: p.Arg143Ter; replaces arginine 143 with a stop codon.
Molecular consequence: nonsense.
Genome position (GRCh38, 1-based): chr1:112,917,979, G>A on the plus strand (C>T on the coding strand, the complement: SLC16A1 is on the minus strand). VCF-style: chr1-112917979-G-A. GRCh37 (hg19) VCF-style: chr1-113460601-G-A.
Other names: c.427C>T, p.Arg143Ter (NM_001166496.2); short protein forms R143*.
Identifiers: ClinVar variation 2077604 (VCV002077604.4), dbSNP rs577209023, ClinGen allele CA29390970.